The following is an entry in ClinVar:

ClinVar aggregate classification (germline): Uncertain significance (1 of 4 stars; one submission).

Conditions:
Cardiovascular phenotype. Identifiers: MedGen CN230736.
Hereditary cancer-predisposing syndrome. Also called: Tumor predisposition; Neoplastic Syndromes, Hereditary; Hereditary Cancer Syndrome; Hereditary neoplastic syndrome. Identifiers: Orphanet 140162, MedGen C0027672, MeSH D009386, MONDO:0015356.

Submission:

Ambry Genetics
Classification: Uncertain significance for Cardiovascular phenotype; Hereditary cancer-predisposing syndrome. Last evaluated: 2025-01-06. Review status: criteria provided, single submitter. Criteria: Ambry Variant Classification Scheme 2023. Collection method: clinical testing. Allele origin: germline.
Comment: The p.T2423P variant (also known as c.7267A>C), located in coding exon 49 of the NF1 gene, results from an A to C substitution at nucleotide position 7267. The threonine at codon 2423 is replaced by proline, an amino acid with highly similar properties. This amino acid position is conserved. In addition, the in silico prediction for this alteration is inconclusive. Based on the available evidence, the clinical significance of this variant remains unclear.

NM_001042492.3(NF1):c.7330A>C (p.Thr2444Pro)

Gene: NF1 (neurofibromin 1; plus strand). Cytogenetic location: 17q11.2.
Variant type: single nucleotide variant.
Coding change: c.7330A>C on transcript NM_001042492.3 (MANE Select); coding-DNA position 7330, A replaced by C.
Protein change: p.Thr2444Pro; replaces threonine 2444 with proline.
Molecular consequence: missense variant.
Genome position (GRCh38, 1-based): chr17:31,350,191, A>C. VCF-style: chr17-31350191-A-C. GRCh37 (hg19) VCF-style: chr17-29677209-A-C.
Other names: c.7267A>C, p.Thr2423Pro (NM_000267.4); short protein forms T2423P, T2444P.
Identifiers: ClinVar variation 3879046 (VCV003879046.1).
Genomic context (GRCh38, chr17:31,350,191, plus strand): 5'-GTCACACTTGTGATTTGTTAAATTTTTTAACCTGCCACCGTTTTCCTTTTAGCTTTACTT[A>C]CAGTGTCTGAAGAAGTTCGAAGTCGCTGCAGCCTAAAACATAGAAAGTCACTTCTTCTTA-3'
Protein context (NP_001035957.1, residues 2434-2454): QSVAYLAALL[Thr2444Pro]VSEEVRSRCS